The following is an entry in ClinVar:

ClinVar aggregate classification (germline): Uncertain significance (0 of 4 stars; one submission).

Conditions:
NLRP1-related disorder. Also called: NLRP1-related condition.

Allele frequency attached by ClinVar (database versions not stated): gnomAD 0.00001; TOPMed 0.00001.
gnomAD v4.1: 30 of 1,612,928 alleles (0.0019%); highest among the groups gnomAD compares: Non-Finnish European, 0.0025%; no homozygotes.

Submission:

PreventionGenetics, part of Exact Sciences
Classification: Uncertain significance for NLRP1-related condition. Last evaluated: 2023-10-23. Review status: no assertion criteria provided. Collection method: clinical testing. Allele origin: germline.
Comment: The NLRP1 c.725C>A variant is predicted to result in the amino acid substitution p.Pro242Gln. To our knowledge, this variant has not been reported in the literature. This variant is reported in 0.00088% of alleles in individuals of European (Non-Finnish) descent in gnomAD. At this time, the clinical significance of this variant is uncertain due to the absence of conclusive functional and genetic evidence.

NM_033004.4(NLRP1):c.725C>A (p.Pro242Gln)

Gene: NLRP1 (NLR family pyrin domain containing 1; minus strand). Cytogenetic location: 17p13.2.
Variant type: single nucleotide variant.
Coding change: c.725C>A on transcript NM_033004.4 (MANE Select); coding-DNA position 725, C replaced by A.
Protein change: p.Pro242Gln; replaces proline 242 with glutamine.
Molecular consequence: missense variant.
Genome position (GRCh38, 1-based): chr17:5,559,971, G>T on the plus strand (C>A on the coding strand, the complement: NLRP1 is on the minus strand). VCF-style: chr17-5559971-G-T. GRCh37 (hg19) VCF-style: chr17-5463291-G-T.
Other names: c.725C>A, p.Pro242Gln (NM_001033053.3, NM_014922.5, NM_033006.4 and 1 more transcripts); short protein forms P242Q.
Identifiers: ClinVar variation 3048027 (VCV003048027.2), dbSNP rs1173780449, ClinGen allele CA397388164.
Genomic context (GRCh38, chr17:5,559,971, plus strand): 5'-CTCTCTCTCACAGAAGGCTCCCATGGGTGGTGGTGGGGCTGTAGGCTGGTGTGCGCCTGT[G>T]GGGGCGTTCCTACCACCGCTGCCCATGGGGGCCTGCCTTTCTCTGATTTCTCTCTCTCTC-3'
Protein context (NP_127497.1, residues 232-252): PPWAAVVGTP[Pro242Gln]QAHTSLQPHH